The following is an entry in ClinVar:

NM_018706.7(DHTKD1):c.548A>C (p.Lys183Thr)

Gene: DHTKD1 (dehydrogenase E1 and transketolase domain containing 1; plus strand). Cytogenetic location: 10p14.
Variant type: single nucleotide variant.
Coding change: c.548A>C on transcript NM_018706.7 (MANE Select); coding-DNA position 548, A replaced by C.
Protein change: p.Lys183Thr; replaces lysine 183 with threonine.
Molecular consequence: missense variant.
Genome position (GRCh38, 1-based): chr10:12,087,560, A>C. VCF-style: chr10-12087560-A-C. GRCh37 (hg19) VCF-style: chr10-12129559-A-C.
Other names: short protein forms K183T.
Identifiers: ClinVar variation 3697901 (VCV003697901.2).

ClinVar aggregate classification (germline): Uncertain significance (1 of 4 stars; one submission).

Conditions:
2-aminoadipic 2-oxoadipic aciduria (AAKAD). Also called: Aminoadipic aciduria; ALPHA-AMINOADIPIC AND ALPHA-KETOADIPIC ACIDURIA. Identifiers: Orphanet 79154, MedGen C1859817, MONDO:0008774, OMIM 204750.

gnomAD v4.1: 1 of 1,604,448 alleles (0.000062%); highest among the groups gnomAD compares: Non-Finnish European, 0.000085%; no homozygotes.

Submission:

Labcorp Genetics (formerly Invitae), Labcorp
Classification: Uncertain significance for 2-aminoadipic 2-oxoadipic aciduria. Last evaluated: 2025-02-24. Review status: criteria provided, single submitter. Criteria: Invitae Variant Classification Sherloc (09022015). Collection method: clinical testing. Allele origin: germline.
Comment: This sequence change replaces lysine, which is basic and polar, with threonine, which is neutral and polar, at codon 183 of the DHTKD1 protein (p.Lys183Thr). This variant is not present in population databases (gnomAD no frequency). This variant has not been reported in the literature in individuals affected with DHTKD1-related conditions. Invitae Evidence Modeling of protein sequence and biophysical properties (such as structural, functional, and spatial information, amino acid conservation, physicochemical variation, residue mobility, and thermodynamic stability) indicates that this missense variant is not expected to disrupt DHTKD1 protein function with a negative predictive value of 80%. In summary, the available evidence is currently insufficient to determine the role of this variant in disease. Therefore, it has been classified as a Variant of Uncertain Significance.